The following is an entry in ClinVar:

ClinVar aggregate classification (germline): Conflicting classifications of pathogenicity. Review status: criteria provided, conflicting classifications (1 of 4 stars). 2 submissions from 2 submitters: Uncertain significance (1); Likely benign (1). Last evaluated 2025-05-21.

Allele frequency attached by ClinVar (database versions not stated): ESP Exome Variant Server 0.00008; 1000 Genomes Project 30x 0.00016; 1000 Genomes Project 0.00020.
gnomAD v4.1: 176 of 1,614,034 alleles (0.011%); highest among the groups gnomAD compares: Admixed American, 0.073%; 2 homozygotes.

Submissions (2):

GeneDx
Classification: Uncertain significance. Last evaluated: 2025-05-21. Review status: criteria provided, single submitter. Criteria: GeneDx Variant Classification Process June 2021. Collection method: clinical testing. Allele origin: germline. Affected: yes.
Comment: Reported in the heterozygous state in a patient with bilateral hearing loss in published literature (PMID: 34515852); In silico analysis suggests that this missense variant does not alter protein structure/function; This variant is associated with the following publications: (PMID: 34515852)

Labcorp Genetics (formerly Invitae), Labcorp
Classification: Likely benign. Last evaluated: 2024-10-16. Review status: criteria provided, single submitter. Criteria: Invitae Variant Classification Sherloc (09022015). Collection method: clinical testing. Allele origin: germline.

NM_016239.4(MYO15A):c.5194G>C (p.Val1732Leu)

Gene: MYO15A (myosin XVA; plus strand). Cytogenetic location: 17p11.2.
Variant type: single nucleotide variant.
Coding change: c.5194G>C on transcript NM_016239.4 (MANE Select); coding-DNA position 5194, G replaced by C.
Protein change: p.Val1732Leu; replaces valine 1732 with leucine.
Molecular consequence: missense variant.
Genome position (GRCh38, 1-based): chr17:18,139,594, G>C. VCF-style: chr17-18139594-G-C. GRCh37 (hg19) VCF-style: chr17-18042908-G-C.
Other names: short protein forms V1732L.
Identifiers: ClinVar variation 1343016 (VCV001343016.8), dbSNP rs377309887, ClinGen allele CA8424173.